The following is an entry in ClinVar:

ClinVar aggregate classification (germline): Pathogenic (1 of 4 stars; one submission).

Conditions:
Epilepsy, X-linked 1, with variable learning disabilities and behavior disorders. Also called: X-linked epilepsy-learning disabilities-behavior disorders syndrome. Identifiers: Orphanet 85294, MedGen C5774177, MONDO:0010339, OMIM 300491.

Submission:

Labcorp Genetics (formerly Invitae), Labcorp
Classification: Pathogenic for Epilepsy, X-linked 1, with variable learning disabilities and behavior disorders. Last evaluated: 2024-04-03. Review status: criteria provided, single submitter. Criteria: Invitae Variant Classification Sherloc (09022015). Collection method: clinical testing. Allele origin: germline.
Comment: This sequence change creates a premature translational stop signal (p.Gly501Profs*168) in the SYN1 gene. While this is not anticipated to result in nonsense mediated decay, it is expected to disrupt the last 169 amino acid(s) of the SYN1 protein. The frequency data for this variant in the population databases is considered unreliable, as metrics indicate insufficient coverage at this position in the gnomAD database. This variant has not been reported in the literature in individuals affected with SYN1-related conditions. This variant disrupts a region of the SYN1 protein in which other variant(s) (p.Pro664Ser) have been determined to be pathogenic (Invitae). This suggests that this is a clinically significant region of the protein, and that variants that disrupt it are likely to be disease-causing. For these reasons, this variant has been classified as Pathogenic.

NM_006950.3(SYN1):c.1500_1519del (p.Gly501fs)

Gene: SYN1 (synapsin I; minus strand). Cytogenetic location: Xp11.3.
Variant type: Deletion.
Coding change: c.1500_1519del on transcript NM_006950.3 (MANE Select); coding-DNA positions 1500 to 1519, 20 bases deleted (TGGCAGCCCCCTGCCCCAGC).
Protein change: p.Gly501fs; shifts the reading frame from glycine 501.
Molecular consequence: frameshift variant.
Genome position (GRCh38, 1-based): chrX:47,574,465-47,574,484, GCTGGGGCAGGGGGCTGCCA deleted on the plus strand (TGGCAGCCCCCTGCCCCAGC on the coding strand, the reverse complement: SYN1 is on the minus strand); deleting any 20 consecutive bases within chrX:47,574,465-47,574,491 gives the same sequence; the c. name uses the placement nearest the transcript's 3' end. VCF-style (leftmost placement, unchanged base first): chrX-47574464-CGCTGGGGCAGGGGGCTGCCA-C. GRCh37 (hg19) VCF-style: chrX-47433863-CGCTGGGGCAGGGGGCTGCCA-C.
Other names: c.1500_1519del, p.Gly501fs (NM_133499.2); short protein forms G501fs.
Identifiers: ClinVar variation 3648627 (VCV003648627.2).